The following is an entry in ClinVar:

ClinVar aggregate classification (germline): Uncertain significance (1 of 4 stars; one submission).

Conditions:
Multiple congenital anomalies-hypotonia-seizures syndrome 3 (MCAHS3). Also called: GLYCOSYLPHOSPHATIDYLINOSITOL BIOSYNTHESIS DEFECT 7. Identifiers: Orphanet 369837, MedGen C3809356, MONDO:0014165, OMIM 615398.

Submission:

Labcorp Genetics (formerly Invitae), Labcorp
Classification: Uncertain significance for Multiple congenital anomalies-hypotonia-seizures syndrome 3. Last evaluated: 2022-11-08. Review status: criteria provided, single submitter. Criteria: Invitae Variant Classification Sherloc (09022015). Collection method: clinical testing. Allele origin: germline.
Comment: In summary, the available evidence is currently insufficient to determine the role of this variant in disease. Therefore, it has been classified as a Variant of Uncertain Significance. Advanced modeling of protein sequence and biophysical properties (such as structural, functional, and spatial information, amino acid conservation, physicochemical variation, residue mobility, and thermodynamic stability) performed at Invitae indicates that this missense variant is not expected to disrupt PIGT protein function. ClinVar contains an entry for this variant (Variation ID: 1359404). This variant has not been reported in the literature in individuals affected with PIGT-related conditions. This variant is not present in population databases (gnomAD no frequency). This sequence change replaces cysteine, which is neutral and slightly polar, with glycine, which is neutral and non-polar, at codon 21 of the PIGT protein (p.Cys21Gly).

NM_015937.6(PIGT):c.61T>G (p.Cys21Gly)

Gene: PIGT (phosphatidylinositol glycan anchor biosynthesis class T; plus strand). Cytogenetic location: 20q13.12.
Variant type: single nucleotide variant.
Coding change: c.61T>G on transcript NM_015937.6 (MANE Select); coding-DNA position 61, T replaced by G.
Protein change: p.Cys21Gly; replaces cysteine 21 with glycine.
Molecular consequence: missense variant. On other transcripts: non-coding transcript variant (5).
Genome position (GRCh38, 1-based): chr20:45,416,217, T>G. VCF-style: chr20-45416217-T-G. GRCh37 (hg19) VCF-style: chr20-44044857-T-G.
Other names: c.61T>G, p.Cys21Gly (NM_001184728.3, NM_001184729.3, NM_001184730.3); short protein forms C21G.
Identifiers: ClinVar variation 1359404 (VCV001359404.8), dbSNP rs2145431246, ClinGen allele CA409165745.